The following is an entry in ClinVar:

ClinVar aggregate classification (germline): Conflicting classifications of pathogenicity. Review status: criteria provided, conflicting classifications (1 of 4 stars). 2 submissions from 2 submitters: Likely pathogenic (1); Uncertain significance (1). Last evaluated 2025-11-10.

Conditions:
Hypogonadotropic hypogonadism 11 with or without anosmia (HH11). Also called: HYPOGONADOTROPIC HYPOGONADISM 11 WITHOUT ANOSMIA; TACR3-Related GnRH Deficiency. Identifiers: Orphanet 478, MedGen C3553844, MONDO:0013913, OMIM 614840.
ARHGAP35-related disorder.

Submissions (2):

3billion
Classification: Uncertain significance for ARHGAP35-related disorder. Last evaluated: 2025-11-10. Review status: criteria provided, single submitter. Criteria: ACMG Guidelines, 2015. Collection method: clinical testing. Allele origin: germline. Affected: yes.
Comment: The variant is not observed in the gnomAD v4.1.0 dataset. Predicted Consequence/Location: Missense variant In silico tool predictions suggest damaging effect of the variant on gene or gene product [REVEL: 0.78 (>=0.6, sensitivity 0.68 and specificity 0.92)]. A different missense change at the same codon (p.Arg1284Trp) has been reported to be associated with ARHGAP35-related disorder (ClinVar ID: VCV001679925 /PMID: 36178483). However the evidence of pathogenicity is insufficient at this time. Therefore, this variant is classified as VUS according to the recommendation of ACMG/AMP guideline.

Centro de Investigaciones Endocrinológicas “Dr. César Bergadá” (CEDIE), Unidad de Investigacion Traslacional (UIT), Hospital de Niños Dr. Ricardo Gutiérrez
Classification: Likely pathogenic for Hypogonadotropic hypogonadism 11 with or without anosmia. Last evaluated: 2022-01-01. Review status: criteria provided, single submitter. Criteria: Institutional Variant Interpretation Framework ClinVar CEDIE Version 1. Collection method: provider interpretation. Allele origin: germline. Affected: yes. Observed: 1 variant allele.
Comment: The variant NM_004491.5: c.3851G>C located in ARHGAP35 exon 4, is a missense variant ,with computational prediction scores CADD=32.0 and REVEL=0.782 (PP3_mod). The amino acid change results in the substitution of a highly conserved arginine residue by proline and involves the replacement of a positively charged basic residue by a nonpolar residue that restricts the structure at this position, NP_004482.4:p.Arg1284Pro,(PM1).This novel variant has not been previously reported in population databases (GnomAD v4.1; PM2_supp) or in the literature in association with hypogonadotropic hypogonadism (OMIM #147950), although there is a patient in the literature with an IHH with a ARHGAP35 variant involving the same codon, NP_004482.4: p.Arg1284Trp (PM5), PMID: 36178483. The available evidence supports the classification of this variant as probably pathogenic (PM1,PP3_mod, PM5, PM2_supp), according to ACMG criteria and the recommendations of the ClinGen Sequence Variant Interpretation Working Group (SVI WG).

Literature cited by the submitters: PubMed 36178483 (cited by 3billion and Centro de Investigaciones Endocrinológicas “Dr. César Bergadá” (CEDIE), Unidad de Investigacion Traslacional (UIT), Hospital de Niños Dr. Ricardo Gutiérrez).

NM_004491.5(ARHGAP35):c.3851G>C (p.Arg1284Pro)

Gene: ARHGAP35 (Rho GTPase activating protein 35; plus strand). Cytogenetic location: 19q13.32.
Variant type: single nucleotide variant.
Coding change: c.3851G>C on transcript NM_004491.5 (MANE Select); coding-DNA position 3851, G replaced by C.
Protein change: p.Arg1284Pro; replaces arginine 1284 with proline.
Molecular consequence: missense variant.
Genome position (GRCh38, 1-based): chr19:46,988,013, G>C. VCF-style: chr19-46988013-G-C. GRCh37 (hg19) VCF-style: chr19-47491270-G-C.
Other names: NP_004482.4:p.Arg1284Pro; short protein forms R1284P.
Identifiers: ClinVar variation 4849883 (VCV004849883.2).